The following is an entry in ClinVar:

ClinVar aggregate classification (germline): Uncertain significance. Review status: criteria provided, multiple submitters, no conflicts (2 of 4 stars). 2 submissions from 2 submitters: Uncertain significance (2). Last evaluated 2023-12-18.

Conditions:
Arrhythmogenic right ventricular dysplasia 8 (ARVD8). Also called: Arrhythmogenic Right Ventricular Dysplasia/Cardiomyopathy 8; ARRHYTHMOGENIC RIGHT VENTRICULAR DYSPLASIA, FAMILIAL, 8; ARRHYTHMOGENIC RIGHT VENTRICULAR CARDIOMYOPATHY 8. Identifiers: MedGen C1843896, MONDO:0011831, OMIM 607450.
Arrhythmogenic cardiomyopathy with wooly hair and keratoderma. Also called: PALMOPLANTAR KERATODERMA WITH LEFT VENTRICULAR CARDIOMYOPATHY AND WOOLLY HAIR; Carvajal syndrome; Arrhythmogenic cardiomyopathy with woolly hair and keratoderma; Dilated cardiomyopathy with woolly hair and keratoderma. Identifiers: Orphanet 65282, MedGen C1854063, MONDO:0011581, OMIM 605676.

Allele frequency attached by ClinVar (database versions not stated): gnomAD exomes below 0.00001.
gnomAD v4.1: 1 of 1,614,198 alleles (0.000062%); highest among the groups gnomAD compares: Middle Eastern, 0.016%; no homozygotes.

Submissions (2):

Labcorp Genetics (formerly Invitae), Labcorp
Classification: Uncertain significance for Arrhythmogenic cardiomyopathy with wooly hair and keratoderma; Arrhythmogenic right ventricular dysplasia 8. Last evaluated: 2023-12-18. Review status: criteria provided, single submitter. Criteria: Invitae Variant Classification Sherloc (09022015). Collection method: clinical testing. Allele origin: germline.
Comment: This sequence change replaces glycine, which is neutral and non-polar, with alanine, which is neutral and non-polar, at codon 2299 of the DSP protein (p.Gly2299Ala). This variant is not present in population databases (gnomAD no frequency). This variant has not been reported in the literature in individuals affected with DSP-related conditions. An algorithm developed to predict the effect of missense changes on protein structure and function (PolyPhen-2) suggests that this variant is likely to be disruptive. In summary, the available evidence is currently insufficient to determine the role of this variant in disease. Therefore, it has been classified as a Variant of Uncertain Significance.

All of Us Research Program, National Institutes of Health
Classification: Uncertain significance for Arrhythmogenic cardiomyopathy with wooly hair and keratoderma. Last evaluated: 2023-08-15. Review status: criteria provided, single submitter. Criteria: ACMG Guidelines, 2015. Collection method: clinical testing. Allele origin: germline. Inheritance: Autosomal dominant inheritance. Observed: 1 variant allele, 1 heterozygote.
Comment: This missense variant replaces glycine with alanine at codon 2299 of the DSP protein. Computational prediction suggests that this variant may have deleterious impact on protein structure and function (internally defined REVEL score threshold >= 0.7, PMID: 27666373). To our knowledge, functional studies have not been reported for this variant. This variant has not been reported in individuals affected with DSP-related disorders in the literature. This variant has not been identified in the general population by the Genome Aggregation Database (gnomAD). The available evidence is insufficient to determine the role of this variant in disease conclusively. Therefore, this variant is classified as a Variant of Uncertain Significance.

This study involves interpretation of variants in research participants for the purpose of population health screening. Participant phenotype was not available at the time of variant classification. Additional details can be found in publication PMID: 35346344, PMCID: PMC8962531

NM_004415.4(DSP):c.6896G>C (p.Gly2299Ala)

Gene: DSP (desmoplakin; plus strand). Cytogenetic location: 6p24.3.
Variant type: single nucleotide variant.
Coding change: c.6896G>C on transcript NM_004415.4 (MANE Select); coding-DNA position 6896, G replaced by C.
Protein change: p.Gly2299Ala; replaces glycine 2299 with alanine.
Molecular consequence: missense variant.
Genome position (GRCh38, 1-based): chr6:7,584,158, G>C. VCF-style: chr6-7584158-G-C. GRCh37 (hg19) VCF-style: chr6-7584391-G-C.
Other names: c.5099G>C, p.Gly1700Ala (NM_001008844.3); c.5567G>C, p.Gly1856Ala (NM_001319034.2); short protein forms G1700A, G1856A, G2299A.
Identifiers: ClinVar variation 2926770 (VCV002926770.4), dbSNP rs2533943088, ClinGen allele CA362691791.